The following is an entry in ClinVar:

NM_014795.4(ZEB2):c.2915_2918dup (p.Met973fs)

Gene: ZEB2 (zinc finger E-box binding homeobox 2; minus strand). Cytogenetic location: 2q22.3.
Variant type: Duplication.
Coding change: c.2915_2918dup on transcript NM_014795.4 (MANE Select); coding-DNA positions 2915 to 2918, 4 bases duplicated (ACAT; older notation c.2915_2918dupACAT).
Protein change: p.Met973fs; shifts the reading frame from methionine 973.
Molecular consequence: frameshift variant.
Genome position (GRCh38, 1-based): chr2:144,396,561-144,396,564, ATGT duplicated on the plus strand (ACAT on the coding strand, the reverse complement: ZEB2 is on the minus strand); duplicating any 4 consecutive bases within chr2:144,396,561-144,396,565 gives the same sequence; the c. name uses the placement nearest the transcript's 3' end. VCF-style (leftmost placement, unchanged base first): chr2-144396560-C-CATGT. GRCh37 (hg19) VCF-style: chr2-145154127-C-CATGT.
Other names: c.2843_2846dup, p.Met949fs (NM_001171653.2); short protein forms M949fs, M973fs.
Identifiers: ClinVar variation 3384043 (VCV003384043.1).
Genomic context (GRCh38, chr2:144,396,560, plus strand): 5'-CTTCTTGATCTTTTTGCGAGACAGACAGGAGTCGGAGTCTGTCATATCATCTAGGCCTGA[C>CATGT]ATGTAGTCTTGTGCTCCATCAAGCAATTCTCCCTGCGATAGAATCACACAGTTCAATACA-3'

ClinVar aggregate classification (germline): Pathogenic (1 of 4 stars; one submission).

Conditions:
Mowat-Wilson syndrome (MOWS). Also called: Classic Mowat-Wilson Syndrome. Identifiers: Orphanet 2152, MedGen C1856113, MONDO:0009341, OMIM 235730.

Submission:

Dubai Health Genomic Medicine Center, Dubai Health
Classification: Pathogenic for Mowat-Wilson syndrome. Last evaluated: 2024-10-04. Review status: criteria provided, single submitter. Criteria: ACMG Guidelines, 2015. Collection method: research. Allele origin: germline. Affected: yes.
Comment: PVS1,PS2